The following is an entry in ClinVar:

ClinVar aggregate classification (germline): Uncertain significance (1 of 4 stars; one submission).

Conditions:
Neurofibromatosis, type 1 (NF1). Also called: Peripheral type neurofibromatosis; NEUROFIBROMATOSIS, TYPE I, SOMATIC; Neurofibromatosis, type I; VON RECKLINGHAUSEN DISEASE. Identifiers: Orphanet 636, MedGen C0027831, MONDO:0018975, OMIM 162200. Disease mechanism: loss of function.

Allele frequency attached by ClinVar (database versions not stated): ExAC 0.00001.

Submission:

Labcorp Genetics (formerly Invitae), Labcorp
Classification: Uncertain significance for Neurofibromatosis, type 1. Last evaluated: 2024-01-26. Review status: criteria provided, single submitter. Criteria: Invitae Variant Classification Sherloc (09022015). Collection method: clinical testing. Allele origin: germline.
Comment: This sequence change replaces lysine, which is basic and polar, with glutamic acid, which is acidic and polar, at codon 1670 of the NF1 protein (p.Lys1670Glu). This variant is present in population databases (rs780803693, gnomAD 0.0009%). This variant has not been reported in the literature in individuals affected with NF1-related conditions. Advanced modeling of protein sequence and biophysical properties (such as structural, functional, and spatial information, amino acid conservation, physicochemical variation, residue mobility, and thermodynamic stability) performed at Invitae indicates that this missense variant is expected to disrupt NF1 protein function with a positive predictive value of 95%. In summary, the available evidence is currently insufficient to determine the role of this variant in disease. Therefore, it has been classified as a Variant of Uncertain Significance.

NM_001042492.3(NF1):c.5071A>G (p.Lys1691Glu)

Gene: NF1 (neurofibromin 1; plus strand). Cytogenetic location: 17q11.2.
Variant type: single nucleotide variant.
Coding change: c.5071A>G on transcript NM_001042492.3 (MANE Select); coding-DNA position 5071, A replaced by G.
Protein change: p.Lys1691Glu; replaces lysine 1691 with glutamic acid.
Molecular consequence: missense variant.
Genome position (GRCh38, 1-based): chr17:31,326,055, A>G. VCF-style: chr17-31326055-A-G. GRCh37 (hg19) VCF-style: chr17-29653073-A-G.
Other names: c.5008A>G, p.Lys1670Glu (NM_000267.4); short protein forms K1670E, K1691E.
Identifiers: ClinVar variation 2966992 (VCV002966992.3), dbSNP rs780803693, ClinGen allele CA8487133.
Genomic context (GRCh38, chr17:31,326,055, plus strand): 5'-TACGACAACGTCTCCGCAGTCTATATCTATAACTGTAACTCCTGGGTCAGGGAGTACACC[A>G]AGTATCATGAGCGGCTGCTGACTGGCCTCAAAGGTAGCAAAAGGCTTGTTTTCATAGACT-3'
Protein context (NP_001035957.1, residues 1681-1701): NCNSWVREYT[Lys1691Glu]YHERLLTGLK